The following is an entry in ClinVar:

NM_001384910.1(GUCA1A):c.245T>C (p.Leu82Ser)

Genes: GUCA1A (guanylate cyclase activator 1A; plus strand), GUCA1ANB-GUCA1A (GUCA1ANB-GUCA1A readthrough; plus strand). Cytogenetic location: 6p21.1.
Variant type: single nucleotide variant.
Coding change: c.245T>C on transcript NM_001384910.1 (MANE Select); coding-DNA position 245, T replaced by C.
Protein change: p.Leu82Ser; replaces leucine 82 with serine.
Molecular consequence: missense variant.
Genome position (GRCh38, 1-based): chr6:42,178,323, T>C. VCF-style: chr6-42178323-T-C. GRCh37 (hg19) VCF-style: chr6-42146061-T-C.
Other names: c.245T>C, p.Leu82Ser (NM_000409.5, NM_001319061.2, NM_001319062.2); short protein forms L82S.
Identifiers: ClinVar variation 1993175 (VCV001993175.4), dbSNP rs1768014294, ClinGen allele CA364108833.
Genomic context (GRCh38, chr6:42,178,323, plus strand): 5'-CCGCGCCCCTCGCCCAGGACGGCTACATTGATTTCATGGAGTACGTGGCAGCGCTCAGCT[T>C]GGTCCTCAAGGGGAAGGTGGAACAGAAGCTCCGCTGGTACTTCAAGCTCTATGATGTAGA-3'
Protein context (NP_001371839.1, residues 72-92): DFMEYVAALS[Leu82Ser]VLKGKVEQKL

ClinVar aggregate classification (germline): Uncertain significance (1 of 4 stars; one submission).

Submission:

Labcorp Genetics (formerly Invitae), Labcorp
Classification: Uncertain significance. Last evaluated: 2025-03-31. Review status: criteria provided, single submitter. Criteria: Invitae Variant Classification Sherloc (09022015). Collection method: clinical testing. Allele origin: germline.
Comment: This sequence change replaces leucine, which is neutral and non-polar, with serine, which is neutral and polar, at codon 82 of the GUCA1A protein (p.Leu82Ser). This variant is not present in population databases (gnomAD no frequency). This variant has not been reported in the literature in individuals affected with GUCA1A-related conditions. ClinVar contains an entry for this variant (Variation ID: 1993175). An algorithm developed to predict the effect of missense changes on protein structure and function (PolyPhen-2) suggests that this variant is likely to be disruptive. In summary, the available evidence is currently insufficient to determine the role of this variant in disease. Therefore, it has been classified as a Variant of Uncertain Significance.